The following is an entry in ClinVar:

NM_001113491.2(SEPTIN9):c.91T>C (p.Phe31Leu)

Gene: SEPTIN9 (septin 9; plus strand). Cytogenetic location: 17q25.3.
Variant type: single nucleotide variant.
Coding change: c.91T>C on transcript NM_001113491.2 (MANE Select); coding-DNA position 91, T replaced by C.
Protein change: p.Phe31Leu; replaces phenylalanine 31 with leucine.
Molecular consequence: missense variant. On other transcripts: 5 prime UTR variant (2).
Genome position (GRCh38, 1-based): chr17:77,402,073, T>C. VCF-style: chr17-77402073-T-C. GRCh37 (hg19) VCF-style: chr17-75398155-T-C.
Other names: c.37T>C (NM_006640.4); c.-402T>C (NM_001113492.2, NM_001113494.1); c.70T>C, p.Phe24Leu (NM_001113493.2); c.34T>C, p.Phe12Leu (NM_001293695.2); c.37T>C, p.Phe13Leu (NM_006640.5); short protein forms F12L, F13L, F24L, F31L.
Identifiers: ClinVar variation 2445517 (VCV002445517.6), dbSNP rs962476744, ClinGen allele CA294282734.

ClinVar aggregate classification (germline): Uncertain significance. Review status: criteria provided, multiple submitters, no conflicts (2 of 4 stars). 2 submissions from 2 submitters: Uncertain significance (2). Last evaluated 2023-03-24.

Conditions:
Inborn genetic diseases. Identifiers: MedGen C0950123, MeSH D030342.

Allele frequency attached by ClinVar (database versions not stated): gnomAD exomes 0.00001.
gnomAD v4.1: 5 of 1,612,820 alleles (0.00031%); highest among the groups gnomAD compares: Non-Finnish European, 0.00042%; no homozygotes.

Submissions (2):

Ambry Genetics
Classification: Uncertain significance for Inborn genetic diseases. Last evaluated: 2023-03-24. Review status: criteria provided, single submitter. Criteria: Ambry Variant Classification Scheme 2023. Collection method: clinical testing. Allele origin: germline.

Labcorp Genetics (formerly Invitae), Labcorp
Classification: Uncertain significance. Last evaluated: 2021-12-20. Review status: criteria provided, single submitter. Criteria: Invitae Variant Classification Sherloc (09022015). Collection method: clinical testing. Allele origin: germline.
Comment: In summary, the available evidence is currently insufficient to determine the role of this variant in disease. Therefore, it has been classified as a Variant of Uncertain Significance. Algorithms developed to predict the effect of missense changes on protein structure and function are either unavailable or do not agree on the potential impact of this missense change (SIFT: "Deleterious"; PolyPhen-2: "Probably Damaging"; Align-GVGD: "Class C0"). This variant has not been reported in the literature in individuals affected with SEPT9-related conditions. This variant is not present in population databases (gnomAD no frequency). This sequence change replaces phenylalanine, which is neutral and non-polar, with leucine, which is neutral and non-polar, at codon 13 of the SEPT9 protein (p.Phe13Leu).